The following is an entry in ClinVar:

NM_001040108.2(MLH3):c.1433C>T (p.Ala478Val)

Gene: MLH3 (mutL homolog 3; minus strand). Cytogenetic location: 14q24.3.
Variant type: single nucleotide variant.
Coding change: c.1433C>T on transcript NM_001040108.2 (MANE Select); coding-DNA position 1433, C replaced by T.
Protein change: p.Ala478Val; replaces alanine 478 with valine.
Molecular consequence: missense variant.
Genome position (GRCh38, 1-based): chr14:75,048,223, G>A on the plus strand (C>T on the coding strand, the complement: MLH3 is on the minus strand). VCF-style: chr14-75048223-G-A. GRCh37 (hg19) VCF-style: chr14-75514926-G-A.
Other names: c.1433C>T, p.Ala478Val (NM_014381.3); short protein forms A478V.
Identifiers: ClinVar variation 5024600 (VCV005024600.1).

ClinVar aggregate classification (germline): Uncertain significance (1 of 4 stars; one submission).

Submission:

Ambry Genetics
Classification: Uncertain significance. Last evaluated: 2026-07-22. Review status: criteria provided, single submitter. Criteria: Ambry Variant Classification Scheme 2023. Collection method: clinical testing. Allele origin: germline.
Comment: The p.A478V variant (also known as c.1433C>T), located in coding exon 1 of the MLH3 gene, results from a C to T substitution at nucleotide position 1433. The alanine at codon 478 is replaced by valine, an amino acid with similar properties. This amino acid position is conserved. In addition, this alteration is predicted to be tolerated by in silico analysis. Based on the available evidence, the clinical significance of this variant remains unclear.